The following is an entry in ClinVar:

NM_000202.8(IDS):c.359C>G (p.Pro120Arg)

Gene: IDS (iduronate 2-sulfatase; minus strand). Cytogenetic location: Xq28.
Variant type: single nucleotide variant.
Coding change: c.359C>G on transcript NM_000202.8 (MANE Select); coding-DNA position 359, C replaced by G.
Protein change: p.Pro120Arg; replaces proline 120 with arginine.
Molecular consequence: missense variant. On other transcripts: non-coding transcript variant (1).
Genome position (GRCh38, 1-based): chrX:149,503,371, G>C on the plus strand (C>G on the coding strand, the complement: IDS is on the minus strand). VCF-style: chrX-149503371-G-C. GRCh37 (hg19) VCF-style: chrX-148584901-G-C.
Other names: c.89C>G, p.Pro30Arg (NM_001166550.4); c.359C>G, p.Pro120Arg (NM_006123.5); short protein forms P120R, P30R.
Identifiers: ClinVar variation 638079 (VCV000638079.3), dbSNP rs193302911, ClinGen allele CA414526031.

ClinVar aggregate classification (germline): Pathogenic (1 of 4 stars; one submission).

Conditions:
Mucopolysaccharidosis, MPS-II (MPS2). Also called: IDS deficiency; Sulfoiduronate sulfatase deficiency; SIDS deficiency; Mucopolysaccharidosis type 2; Attenuated MPS (subtype; formerly known as mild MPS II); Severe MPS II. Identifiers: Orphanet 580, Orphanet 79388, MedGen C0026705, MONDO:0010674, OMIM 309900.

Submission:

Laboratory of Diagnosis and Therapy of Lysosomal Disorders, University of Padova
Classification: Pathogenic for Mucopolysaccharidosis, MPS-II. Last evaluated: 2024-06-07. Review status: criteria provided, single submitter. Criteria: ACMG Guidelines, 2015. Collection method: literature only. Allele origin: germline. Affected: yes. Observed: 6 variant alleles.
Comment: De novo (PS2_Moderate), Prevalence of the variant significantly increased in affected individuals compared with controls (PS4_Supporting), Absent from controls (or at low frequency) in gnomAD database (PM2_Moderate), Missense variant in a gene with a low rate of benign missense variation (PP2_Supporting), Multiple lines of computational evidence support a deleterious effect (PP3_Supporting), Patient’s phenotype or family history highly specific for the disease (PP4_Strong)

Classification method: ACMG Guidelines [PMID:25741868] with modifications

Literature cited by the submitters: PubMed 8281149; PubMed 8111411; PubMed 7887413; PubMed 27246110; PubMed 33676511; PubMed 30809705.